The following is an entry in ClinVar:

NM_004239.4(TRIP11):c.673C>T (p.Arg225Ter)

Gene: TRIP11 (thyroid hormone receptor interactor 11; minus strand). Cytogenetic location: 14q32.12.
Variant type: single nucleotide variant.
Coding change: c.673C>T on transcript NM_004239.4 (MANE Select); coding-DNA position 673, C replaced by T.
Protein change: p.Arg225Ter; replaces arginine 225 with a stop codon.
Molecular consequence: nonsense.
Genome position (GRCh38, 1-based): chr14:92,015,846, G>A on the plus strand (C>T on the coding strand, the complement: TRIP11 is on the minus strand). VCF-style: chr14-92015846-G-A. GRCh37 (hg19) VCF-style: chr14-92482190-G-A.
Other names: c.670C>T, p.Arg224Ter (NM_001321851.1); short protein forms R224*, R225*.
Identifiers: ClinVar variation 4851986 (VCV004851986.1).

ClinVar aggregate classification (germline): Pathogenic (1 of 4 stars; one submission).

gnomAD v4.1: 13 of 1,610,860 alleles (0.00081%); highest among the groups gnomAD compares: South Asian, 0.0022%; no homozygotes.

Submission:

Dasa
Classification: Pathogenic. Last evaluated: 2024-09-05. Review status: criteria provided, single submitter. Criteria: DASA Assertion Criteria. Collection method: clinical testing. Allele origin: germline.
Comment: NM_004239.4(TRIP11):c.673C>T (p.Arg225*) introduces a premature termination codon predicted to result in loss of normal protein function. Loss-of-function is an established mechanism of disease for this gene. The variant is present at low frequency in population datasets. Based on the available data, this variant is classified as pathogenic.